The following is an entry in ClinVar:

NM_001161352.2(KCNMA1):c.117CTC[8] (p.Ser60dup)

Gene: KCNMA1 (potassium calcium-activated channel subfamily M alpha 1; minus strand). Cytogenetic location: 10q22.3.
Variant type: Microsatellite.
Coding change: c.117CTC[8] on transcript NM_001161352.2 (MANE Select); eight copies in a row of the 3-base unit CTC starting at c.117; the reference has seven copies in a row; one copy, 3 bases duplicated.
Protein change: p.Ser60dup; duplicates serine 60.
Molecular consequence: inframe insertion.
Genome position (GRCh38, 1-based): chr10:77,637,506-77,637,508, GAG duplicated on the plus strand (CTC on the coding strand, the reverse complement: KCNMA1 is on the minus strand); duplicating any 3 consecutive bases within chr10:77,637,506-77,637,528 gives the same sequence; the position shown is the placement nearest the transcript's 3' end. VCF-style (leftmost placement, unchanged base first): chr10-77637505-A-AGAG. GRCh37 (hg19) VCF-style: chr10-79397263-A-AGAG.
Other names: p.Ser60dup; c.135_137dup (NM_002247.3, NM_002247.4); c.117CTC[8], p.Ser60dup (NM_001014797.3, NM_001161353.2, NM_001271518.2 and 12 more transcripts).
Identifiers: ClinVar variation 167204 (VCV000167204.55), dbSNP rs572827902, ClinGen allele CA180133.

ClinVar aggregate classification (germline): Benign/Likely benign. Review status: criteria provided, multiple submitters, no conflicts (2 of 4 stars). 12 submissions from 12 submitters: Benign (6); Likely benign (2). 4 of the submissions do not count toward it. Last evaluated 2026-09-01.

Conditions:
KCNMA1-related disorder. Also called: KCNMA1-related disorders; KCNMA1-related condition.
Generalized epilepsy-paroxysmal dyskinesia syndrome (PNKD3). Also called: Paroxysmal nonkinesigenic dyskinesia, 3, with or without generalized epilepsy; Generalized epilepsy and paroxysmal dyskinesia. Identifiers: Orphanet 79137, MedGen C5574945, MONDO:0012276, OMIM 609446.

Submissions (12):

CeGaT Center for Human Genetics Tuebingen
Classification: Benign. Last evaluated: 2026-09-01. Review status: criteria provided, single submitter. Criteria: CeGaT Center For Human Genetics Tuebingen Variant Classification Criteria Version 2. Collection method: clinical testing. Allele origin: germline. Affected: yes. Observed: 61 variant alleles.
Comment: KCNMA1: BS1, BS2

Labcorp Genetics (formerly Invitae), Labcorp
Classification: Benign for Generalized epilepsy-paroxysmal dyskinesia syndrome. Last evaluated: 2026-02-02. Review status: criteria provided, single submitter. Criteria: Invitae Variant Classification Sherloc (09022015). Collection method: clinical testing. Allele origin: germline.

Blueprint Genetics
Classification: Likely benign. Last evaluated: 2024-11-25. Review status: criteria provided, single submitter. Criteria: ACMG Guidelines, 2015. Collection method: clinical testing. Allele origin: germline.

ARUP Laboratories, Molecular Genetics and Genomics, ARUP Laboratories
Classification: Benign. Last evaluated: 2024-10-14. Review status: criteria provided, single submitter. Criteria: ARUP Molecular Germline Variant Investigation Process 2024. Collection method: clinical testing. Allele origin: germline.

Mayo Clinic Laboratories, Mayo Clinic
Classification: Benign. Last evaluated: 2024-07-31. Review status: criteria provided, single submitter. Criteria: ACMG Guidelines, 2015. Collection method: clinical testing. Allele origin: germline. Observed: 7 variant alleles.
Comment: BA1, BS2

GeneDx
Classification: Benign. Last evaluated: 2019-09-10. Review status: criteria provided, single submitter. Criteria: GeneDx Variant Classification Process June 2021. Collection method: clinical testing. Allele origin: germline. Affected: yes.
Comment: This variant is associated with the following publications: (PMID: 26603346)

Athena Diagnostics
Classification: Benign. Last evaluated: 2019-01-02. Review status: criteria provided, single submitter. Criteria: Athena Diagnostics Criteria. Collection method: clinical testing. Allele origin: germline.

Center for Pediatric Genomic Medicine, Children's Mercy Hospital and Clinics
Classification: Likely benign. Last evaluated: 2017-03-30. Review status: criteria provided, single submitter. Criteria: ACMG Guidelines, 2015. Collection method: clinical testing. Allele origin: germline.

PreventionGenetics, part of Exact Sciences
Classification: Benign for KCNMA1-related condition. Last evaluated: 2019-06-21. Review status: no assertion criteria provided. Collection method: clinical testing. Allele origin: germline. Not counted in ClinVar's aggregate classification.
Comment: This variant is classified as benign based on ACMG/AMP sequence variant interpretation guidelines (Richards et al. 2015 PMID: 25741868, with internal and published modifications).

Eurofins Ntd Llc (ga)
Classification: Benign for AllHighlyPenetrant. Last evaluated: 2014-03-06. Review status: no assertion criteria provided. Collection method: clinical testing. Allele origin: germline. Observed: 1 variant allele, 1 heterozygote. Not counted in ClinVar's aggregate classification.

Diagnostic Laboratory, Department of Genetics, University Medical Center Groningen
Classification: Benign. Review status: no assertion criteria provided. Collection method: clinical testing. Allele origin: germline. Affected: yes. Study: VKGL Data-share Consensus. Not counted in ClinVar's aggregate classification.

Genome Diagnostics Laboratory, University Medical Center Utrecht
Classification: Benign. Review status: no assertion criteria provided. Collection method: clinical testing. Allele origin: germline. Affected: yes. Study: VKGL Data-share Consensus. Not counted in ClinVar's aggregate classification.